The following is an entry in ClinVar:

ClinVar aggregate classification (germline): Uncertain significance (1 of 4 stars; one submission).

Submission:

Labcorp Genetics (formerly Invitae), Labcorp
Classification: Uncertain significance. Last evaluated: 2022-02-08. Review status: criteria provided, single submitter. Criteria: Invitae Variant Classification Sherloc (09022015). Collection method: clinical testing. Allele origin: germline.
Comment: This variant is not present in population databases (gnomAD no frequency). This sequence change replaces asparagine, which is neutral and polar, with lysine, which is basic and polar, at codon 155 of the POC5 protein (p.Asn155Lys). This variant has not been reported in the literature in individuals affected with POC5-related conditions. In summary, the available evidence is currently insufficient to determine the role of this variant in disease. Therefore, it has been classified as a Variant of Uncertain Significance. Algorithms developed to predict the effect of missense changes on protein structure and function are either unavailable or do not agree on the potential impact of this missense change (SIFT: "Not Available"; PolyPhen-2: "Probably Damaging"; Align-GVGD: "Not Available").

NM_001099271.2(POC5):c.465C>A (p.Asn155Lys)

Gene: POC5 (POC5 centriolar protein; minus strand). Cytogenetic location: 5q13.3.
Variant type: single nucleotide variant.
Coding change: c.465C>A on transcript NM_001099271.2 (MANE Select); coding-DNA position 465, C replaced by A.
Protein change: p.Asn155Lys; replaces asparagine 155 with lysine.
Molecular consequence: missense variant.
Genome position (GRCh38, 1-based): chr5:75,702,653, G>T on the plus strand (C>A on the coding strand, the complement: POC5 is on the minus strand). VCF-style: chr5-75702653-G-T. GRCh37 (hg19) VCF-style: chr5-74998478-G-T.
Other names: c.390C>A, p.Asn130Lys (NM_152408.3); short protein forms N155K, N130K.
Identifiers: ClinVar variation 2094851 (VCV002094851.4), dbSNP rs2478915821, ClinGen allele CA360149691.
Genomic context (GRCh38, chr5:75,702,653, plus strand): 5'-GCTGTACCGTACCTTAAGACCTGAACTCCAAAGATCAAGCACATTTTCCATCTTCTGAAG[G>T]TTTTCATCAGAAACAAGAAAATCGCTCACAAGTATTTCATGGGCATCTGTATGACTAGAA-3'
Protein context (NP_001092741.1, residues 145-165): LVSDFLVSDE[Asn155Lys]LQKMENVLDL